The following is an entry in ClinVar:

NM_000218.3(KCNQ1):c.1118C>A (p.Ser373Ter)

Gene: KCNQ1 (potassium voltage-gated channel subfamily Q member 1; plus strand). Cytogenetic location: 11p15.5.
Variant type: single nucleotide variant.
Coding change: c.1118C>A on transcript NM_000218.3 (MANE Select); coding-DNA position 1118, C replaced by A.
Protein change: p.Ser373Ter; replaces serine 373 with a stop codon.
Molecular consequence: nonsense. On other transcripts: intron variant (2).
Genome position (GRCh38, 1-based): chr11:2,585,297, C>A. VCF-style: chr11-2585297-C-A. GRCh37 (hg19) VCF-style: chr11-2606527-C-A.
Other names: c.848C>A, p.Ser283Ter (NM_001406837.1); c.737C>A, p.Ser246Ter (NM_181798.2); c.1032+1752C>A (NM_001406836.1); c.588+1752C>A (NM_001406838.1); short protein forms S246*, S283*, S373*.
Identifiers: ClinVar variation 2574106 (VCV002574106.2), dbSNP rs1564825392, ClinGen allele CA379133946.
Genomic context (GRCh38, chr11:2,585,297, plus strand): 5'-TGAAGGTGCAGCAGAAGCAGAGGCAGAAGCACTTCAACCGGCAGATCCCGGCGGCAGCCT[C>A]ACTCATTCAGGTGCGGTGCCTGCAAGGCCCTGGTCACTGTCATTTTGGTCACTGTTATTG-3'

ClinVar aggregate classification (germline): Likely pathogenic. Review status: criteria provided, single submitter (1 of 4 stars). 2 submissions from 2 submitters: Likely pathogenic (1). 1 of the submissions does not count toward it. Last evaluated 2024-06-24.

Conditions:
Long QT syndrome 1 (LQT1). Identifiers: Orphanet 101016, Orphanet 768, MedGen C4551647, MONDO:0100316, OMIM 192500, MONDO:0008646.
KCNQ1-related disorder. Also called: KCNQ1-related disorders; KCNQ1-related condition. Identifiers: MedGen CN239322.

Submissions (2):

Blueprint Genetics
Classification: Likely pathogenic for KCNQ1-related disorders. Last evaluated: 2024-06-24. Review status: criteria provided, single submitter. Criteria: ACMG Guidelines, 2015. Collection method: clinical testing. Allele origin: germline. Affected: yes. Observed: 4 variant alleles.

deCODE genetics, Amgen
Classification: Likely pathogenic for Long QT syndrome 1. Last evaluated: 2023-07-21. Review status: no assertion criteria provided. Collection method: research. Allele origin: germline. Affected: yes. Observed: 23 variant alleles. Not counted in ClinVar's aggregate classification.
Comment: The variant NM_000218.3:c.1118C>A (chr11:2585297) in KCNQ1 was detected in 10 heterozygotes out of 58K WGS Icelanders (MAF= 0,009%). This variant has not been reported in ClinVar previously. Based on ACMG criteria (PVS1, PM2) this variant classifies as likely pathogenic.